The following is an entry in ClinVar:

ClinVar aggregate classification (germline): Likely pathogenic. Review status: criteria provided, multiple submitters, no conflicts (2 of 4 stars). 2 submissions from 2 submitters: Likely pathogenic (2). Last evaluated 2025-07-29.

Conditions:
Severe X-linked myotubular myopathy (CNMX). Also called: MYOTUBULAR MYOPATHY 1; X-linked centronuclear myopathy; Myotubular myopathy, X-linked. Identifiers: Orphanet 596, MedGen C0410203, MONDO:0010683, OMIM 310400.

Submissions (2):

Variantyx, Inc.
Classification: Likely pathogenic for Severe X-linked myotubular myopathy. Last evaluated: 2025-07-29. Review status: criteria provided, single submitter. Criteria: Variantyx Assertion Criteria 2022. Collection method: clinical testing. Allele origin: maternal. Inheritance: X-linked recessive inheritance.
Comment: This is an intronic variant in the MTM1 gene (OMIM: 300415). Pathogenic variants in this gene have been associated with X-linked centronuclear myopathy. Algorithms that predict the potential impact of sequence variants on RNA splicing suggest that this variant may disrupt normal splicing (PP3). An alternate change within the same splice donor/acceptor motif (NM_000252.3: c.342_342+4del) has been reported in at least one affected individual (PMID: 29567349) (PS1_Moderate). This variant is absent from control populations (PM2). Based on the current evidence, this variant is classified as likely pathogenic for X-linked centronuclear myopathy.

Genetic Services Laboratory, University of Chicago
Classification: Likely pathogenic for Myotubular myopathy, X-linked. Last evaluated: 2013-02-08. Review status: criteria provided, single submitter. Criteria: ACMG Guidelines, 2007. Collection method: clinical testing. Allele origin: germline. Inheritance: X-linked inheritance. Affected: yes.

Literature cited by the submitters: PubMed 29567349 (cited by Variantyx, Inc.).

NM_000252.3(MTM1):c.342+4A>G

Gene: MTM1 (myotubularin 1; plus strand). Cytogenetic location: Xq28.
Variant type: single nucleotide variant.
Coding change: c.342+4A>G on transcript NM_000252.3 (MANE Select); 4 bases into the intron after coding-DNA position 342, A replaced by G.
Molecular consequence: intron variant.
Genome position (GRCh38, 1-based): chrX:150,614,703, A>G. VCF-style: chrX-150614703-A-G. GRCh37 (hg19) VCF-style: chrX-149783176-A-G.
Other names: c.342+4A>G (NM_001376908.1, NM_001376906.1); c.232-4335A>G (NM_001376907.1).
Identifiers: ClinVar variation 158966 (VCV000158966.7), dbSNP rs587783820, ClinGen allele CA271872.